The following is an entry in ClinVar:

NM_001040108.2(MLH3):c.1239A>C (p.Arg413Ser)

Gene: MLH3 (mutL homolog 3; minus strand). Cytogenetic location: 14q24.3.
Variant type: single nucleotide variant.
Coding change: c.1239A>C on transcript NM_001040108.2 (MANE Select); coding-DNA position 1239, A replaced by C.
Protein change: p.Arg413Ser; replaces arginine 413 with serine.
Molecular consequence: missense variant.
Genome position (GRCh38, 1-based): chr14:75,048,417, T>G on the plus strand (A>C on the coding strand, the complement: MLH3 is on the minus strand). VCF-style: chr14-75048417-T-G. GRCh37 (hg19) VCF-style: chr14-75515120-T-G.
Other names: c.1239A>C, p.Arg413Ser (NM_014381.3); short protein forms R413S.
Identifiers: ClinVar variation 1898775 (VCV001898775.6), dbSNP rs2503300696, ClinGen allele CA390446882.

ClinVar aggregate classification (germline): Uncertain significance. Review status: criteria provided, multiple submitters, no conflicts (2 of 4 stars). 2 submissions from 2 submitters: Uncertain significance (2). Last evaluated 2026-06-14.

Conditions:
Colorectal cancer, hereditary nonpolyposis, type 7. Identifiers: Orphanet 144, MedGen C1858380, MONDO:0013725, OMIM 614385.

gnomAD v4.1: 1 of 1,607,940 alleles (0.000062%); highest among the groups gnomAD compares: Non-Finnish European, 0.000085%; no homozygotes.

Submissions (2):

Ambry Genetics
Classification: Uncertain significance. Last evaluated: 2026-06-14. Review status: criteria provided, single submitter. Criteria: Ambry Variant Classification Scheme 2023. Collection method: clinical testing. Allele origin: germline.
Comment: The p.R413S variant (also known as c.1239A>C), located in coding exon 1 of the MLH3 gene, results from an A to C substitution at nucleotide position 1239. The arginine at codon 413 is replaced by serine, an amino acid with dissimilar properties. This amino acid position is conserved. In addition, this alteration is predicted to be deleterious by in silico analysis. Based on the available evidence, the clinical significance of this variant remains unclear.

Labcorp Genetics (formerly Invitae), Labcorp
Classification: Uncertain significance for Colorectal cancer, hereditary nonpolyposis, type 7. Last evaluated: 2022-09-09. Review status: criteria provided, single submitter. Criteria: Invitae Variant Classification Sherloc (09022015). Collection method: clinical testing. Allele origin: germline.
Comment: In summary, the available evidence is currently insufficient to determine the role of this variant in disease. Therefore, it has been classified as a Variant of Uncertain Significance. Algorithms developed to predict the effect of missense changes on protein structure and function are either unavailable or do not agree on the potential impact of this missense change (SIFT: "Deleterious"; PolyPhen-2: "Probably Damaging"; Align-GVGD: "Class C0"). This variant has not been reported in the literature in individuals affected with MLH3-related conditions. This variant is not present in population databases (gnomAD no frequency). This sequence change replaces arginine, which is basic and polar, with serine, which is neutral and polar, at codon 413 of the MLH3 protein (p.Arg413Ser).